The following is an entry in ClinVar:

ClinVar aggregate classification (germline): Uncertain significance (1 of 4 stars; one submission).

Allele frequency attached by ClinVar (database versions not stated): ExAC 0.00001; gnomAD 0.00001; TOPMed 0.00001; ESP Exome Variant Server 0.00008.
gnomAD v4.1: 8 of 1,603,014 alleles (0.0005%); highest among the groups gnomAD compares: African/African-American, 0.0027%; no homozygotes.

Submission:

Labcorp Genetics (formerly Invitae), Labcorp
Classification: Uncertain significance. Last evaluated: 2022-07-26. Review status: criteria provided, single submitter. Criteria: Invitae Variant Classification Sherloc (09022015). Collection method: clinical testing. Allele origin: germline.
Comment: This variant has not been reported in the literature in individuals affected with TMED7-related conditions. In summary, the available evidence is currently insufficient to determine the role of this variant in disease. Therefore, it has been classified as a Variant of Uncertain Significance. Algorithms developed to predict the effect of missense changes on protein structure and function (SIFT, PolyPhen-2, Align-GVGD) all suggest that this variant is likely to be tolerated. The frequency data for this variant in the population databases is considered unreliable, as metrics indicate poor data quality at this position in the gnomAD database. This sequence change replaces proline, which is neutral and non-polar, with alanine, which is neutral and non-polar, at codon 31 of the TMED7 protein (p.Pro31Ala).

NM_181836.6(TMED7):c.91C>G (p.Pro31Ala)

Genes: TMED7 (transmembrane p24 trafficking protein 7; minus strand), TMED7-TICAM2 (TMED7-TICAM2 readthrough; minus strand), LOC129994401 (ATAC-STARR-seq lymphoblastoid silent region 16254; plus strand). Cytogenetic location: 5q22.3.
Variant type: single nucleotide variant.
Coding change: c.91C>G on transcript NM_181836.6 (MANE Select); coding-DNA position 91, C replaced by G.
Protein change: p.Pro31Ala; replaces proline 31 with alanine.
Molecular consequence: missense variant.
Genome position (GRCh38, 1-based): chr5:115,625,702, G>C on the plus strand (C>G on the coding strand, the complement: TMED7 is on the minus strand). VCF-style: chr5-115625702-G-C. GRCh37 (hg19) VCF-style: chr5-114961399-G-C.
Other names: c.91C>G, p.Pro31Ala (NM_001164468.4, NM_001164469.4); short protein forms P31A.
Identifiers: ClinVar variation 1905820 (VCV001905820.5), dbSNP rs150711988, ClinGen allele CA3375241.